The following is an entry in ClinVar:

ClinVar aggregate classification (germline): Conflicting classifications of pathogenicity. Review status: criteria provided, conflicting classifications (1 of 4 stars). 10 submissions from 10 submitters: Likely pathogenic (8); Uncertain significance (2). Last evaluated 2026-03-10.

Conditions:
Inborn genetic diseases. Identifiers: MedGen C0950123, MeSH D030342.
Neuronopathy, distal hereditary motor, autosomal recessive 4. Also called: NEUROPATHY, DISTAL HEREDITARY MOTOR, AUTOSOMAL RECESSIVE 4; Autosomal recessive lower motor neuron disease with childhood onset. Identifiers: Orphanet 206580, MedGen C1970211, MONDO:0012608, OMIM 611067.
Charcot-Marie-Tooth disease recessive intermediate C. Also called: CHARCOT-MARIE-TOOTH NEUROPATHY, RECESSIVE INTERMEDIATE C. Identifiers: Orphanet 369867, MedGen C3809309, MONDO:0014154, OMIM 615376.

Allele frequency attached by ClinVar (database versions not stated): 1000 Genomes Project 30x 0.00016; gnomAD exomes 0.00016 and 0.00050; 1000 Genomes Project 0.00020; ExAC 0.00020; gnomAD 0.00026; TOPMed 0.00027; ESP Exome Variant Server 0.00038.
gnomAD v4.1: 758 of 1,613,328 alleles (0.047%); highest among the groups gnomAD compares: Non-Finnish European, 0.061%; no homozygotes.

Submissions (10):

GeneDx
Classification: Uncertain significance. Last evaluated: 2026-03-10. Review status: criteria provided, single submitter. Criteria: GeneDx Variant Classification Process June 2021. Collection method: clinical testing. Allele origin: germline. Affected: yes.
Comment: Canonical splice site variant predicted to result in a null allele in a gene for which loss of function is a known mechanism of disease; Reported among a cohort of individuals with probable or definite amyotrophic lateral sclerosis; limited patient-specific detail was provided (PMID: 38112783); This variant is associated with the following publications: (PMID: 31589614, 31345219, 38112783, 17564964, 23777631)

CeGaT Center for Human Genetics Tuebingen
Classification: Likely pathogenic. Last evaluated: 2025-11-01. Review status: criteria provided, single submitter. Criteria: CeGaT Center For Human Genetics Tuebingen Variant Classification Criteria Version 2. Collection method: clinical testing. Allele origin: germline. Affected: yes. Observed: 1 variant allele.
Comment: PLEKHG5: PVS1, PM2:Supporting

Labcorp Genetics (formerly Invitae), Labcorp
Classification: Likely pathogenic for Neuronopathy, distal hereditary motor, autosomal recessive 4; Charcot-Marie-Tooth disease recessive intermediate C. Last evaluated: 2025-09-30. Review status: criteria provided, single submitter. Criteria: Invitae Variant Classification Sherloc (09022015). Collection method: clinical testing. Allele origin: germline.
Comment: This sequence change affects an acceptor splice site in intron 6 of the PLEKHG5 gene. It is expected to disrupt RNA splicing. Variants that disrupt the donor or acceptor splice site typically lead to a loss of protein function (PMID: 16199547), and loss-of-function variants in PLEKHG5 are known to be pathogenic (PMID: 17564964, 23777631). This variant is present in population databases (rs144750655, gnomAD 0.03%). This variant has not been reported in the literature in individuals affected with PLEKHG5-related conditions. ClinVar contains an entry for this variant (Variation ID: 423836). Algorithms developed to predict the effect of sequence changes on RNA splicing suggest that this variant may disrupt the consensus splice site. In summary, the currently available evidence indicates that the variant is pathogenic, but additional data are needed to prove that conclusively. Therefore, this variant has been classified as Likely Pathogenic.

Mayo Clinic Laboratories, Mayo Clinic
Classification: Likely pathogenic. Last evaluated: 2025-09-02. Review status: criteria provided, single submitter. Criteria: ACMG Guidelines, 2015. Collection method: clinical testing. Allele origin: germline. Observed: 3 variant alleles.
Comment: PM2_supporting, PVS1

Women's Health and Genetics/Laboratory Corporation of America, LabCorp
Classification: Likely pathogenic for Neuronopathy, distal hereditary motor, autosomal recessive 4. Last evaluated: 2025-03-19. Review status: criteria provided, single submitter. Criteria: LabCorp Variant Classification Summary - May 2015. Collection method: clinical testing. Allele origin: germline.
Comment: Variant summary: PLEKHG5 c.440-2A>G is located in a canonical splice-site and is predicted to affect mRNA splicing resulting in a significantly altered protein due to either exon skipping, shortening, or inclusion of intronic material. Variants that disrupt the consensus splice site are a relatively common cause of aberrant splicing and loss of PLEKHG5 function. Several computational tools predict a significant impact on normal splicing: Two predict the variant abolishes a 3' acceptor site. However, these predictions have yet to be confirmed by functional studies. The variant allele was found at a frequency of 0.00016 in 249072 control chromosomes. This frequency is not significantly higher than estimated for a pathogenic variant in PLEKHG5 causing Distal Spinal Muscular Atrophy, Autosomal Recessive 4 (0.00016 vs 0.0011), allowing no conclusion about variant significance. To our knowledge, no occurrence of c.440-2A>G in individuals affected with Distal Spinal Muscular Atrophy, Autosomal Recessive 4 and no experimental evidence demonstrating its impact on protein function have been reported. This variant is also known as 677-2A>G. ClinVar contains an entry for this variant (Variation ID: 423836). Based on the evidence outlined above, the variant was classified as likely pathogenic.

Department of Pathology and Laboratory Medicine, Sinai Health System
Classification: Likely pathogenic for Charcot-Marie-Tooth disease recessive intermediate C; Neuronopathy, distal hereditary motor, autosomal recessive 4. Last evaluated: 2022-12-29. Review status: criteria provided, single submitter. Criteria: ACMG Guidelines, 2015. Collection method: research. Allele origin: germline.

Kariminejad - Najmabadi Pathology & Genetics Center
Classification: Likely pathogenic for Charcot-Marie-Tooth disease recessive intermediate C; Neuronopathy, distal hereditary motor, autosomal recessive 4. Last evaluated: 2022-08-05. Review status: criteria provided, single submitter. Criteria: ACMG Guidelines, 2015. Collection method: clinical testing. Allele origin: germline. Inheritance: Autosomal recessive inheritance. Affected: yes.
Comment: PM2, PVS1

Ambry Genetics
Classification: Uncertain significance for Inborn genetic diseases. Last evaluated: 2022-05-03. Review status: criteria provided, single submitter. Criteria: Ambry Variant Classification Scheme 2023. Collection method: clinical testing. Allele origin: germline.
Comment: The c.440-2A>G intronic variant results from an A to G substitution two nucleotides upstream from coding exon 6 in the PLEKHG5 gene. Alterations that disrupt the canonical splice site are expected to result in aberrant splicing. In silico splice site analysis predicts that this alteration will weaken the native splice acceptor site and will result in the creation or strengthening of a novel splice acceptor site. The resulting transcript is predicted to be in-frame and is not expected to trigger nonsense-mediated mRNA decay; however, direct evidence is unavailable. The exact functional effect of the altered amino acid sequence is unknown. This nucleotide position is poorly conserved in available vertebrate species. Since supporting evidence is limited at this time, the clinical significance of this alteration remains unclear.

Revvity Omics, Revvity
Classification: Likely pathogenic. Last evaluated: 2019-10-14. Review status: criteria provided, single submitter. Criteria: ACMG Guidelines, 2015. Collection method: clinical testing. Allele origin: germline.

Fulgent Genetics
Classification: Likely pathogenic for Neuronopathy, distal hereditary motor, autosomal recessive 4; Charcot-Marie-Tooth disease recessive intermediate C. Last evaluated: 2018-10-31. Review status: criteria provided, single submitter. Criteria: ACMG Guidelines, 2015. Collection method: clinical testing. Allele origin: unknown.

Literature cited by the submitters: PubMed 16199547 (cited by Labcorp Genetics (formerly Invitae), Labcorp); PubMed 17564964 (cited by Labcorp Genetics (formerly Invitae), Labcorp); PubMed 23777631 (cited by Labcorp Genetics (formerly Invitae), Labcorp); PubMed 31345219 (cited by Mayo Clinic Laboratories, Mayo Clinic); PubMed 31589614 (cited by Mayo Clinic Laboratories, Mayo Clinic); PubMed 38112783 (cited by Mayo Clinic Laboratories, Mayo Clinic).

NM_020631.6(PLEKHG5):c.440-2A>G

Gene: PLEKHG5 (pleckstrin homology and RhoGEF domain containing G5; minus strand). Cytogenetic location: 1p36.31.
Variant type: single nucleotide variant.
Coding change: c.440-2A>G on transcript NM_020631.6 (MANE Select); the canonical splice acceptor site of the intron before coding-DNA position 440, A replaced by G.
Molecular consequence: splice acceptor variant.
Genome position (GRCh38, 1-based): chr1:6,474,166, T>C on the plus strand (A>G on the coding strand, the complement: PLEKHG5 is on the minus strand). VCF-style: chr1-6474166-T-C. GRCh37 (hg19) VCF-style: chr1-6534226-T-C.
Other names: c.440-2A>G (NM_020631.5, NM_198681.4, NM_001265594.3 and 2 more transcripts); c.551-2A>G (NM_001042663.3, NM_001265592.2); c.647-2A>G (NM_001265593.2).
Identifiers: ClinVar variation 423836 (VCV000423836.38), dbSNP rs144750655, ClinGen allele CA561841.